The following is an entry in ClinVar:

ClinVar aggregate classification (germline): Conflicting classifications of pathogenicity. Review status: criteria provided, conflicting classifications (1 of 4 stars). 2 submissions from 2 submitters: Uncertain significance (1); Likely benign (1). Last evaluated 2024-08-05.

Conditions:
Hereditary cancer-predisposing syndrome. Also called: Tumor predisposition; Hereditary Cancer Syndrome; Hereditary neoplastic syndrome; Neoplastic Syndromes, Hereditary. Identifiers: Orphanet 140162, MedGen C0027672, MeSH D009386, MONDO:0015356.
Tumor predisposition syndrome 3 (TPDS3). Also called: Glioma susceptibility 9; LONG TELOMERE SYNDROME, POT1-RELATED; POT1 Tumor Predisposition; Melanoma, cutaneous malignant, susceptibility to, 10. Identifiers: Orphanet 618, MedGen C4014476, MONDO:0014368, OMIM 615848.

Allele frequency attached by ClinVar (database versions not stated): gnomAD exomes below 0.00001.

Submissions (2):

Labcorp Genetics (formerly Invitae), Labcorp
Classification: Uncertain significance for Tumor predisposition syndrome 3. Last evaluated: 2024-08-05. Review status: criteria provided, single submitter. Criteria: Invitae Variant Classification Sherloc (09022015). Collection method: clinical testing. Allele origin: germline.
Comment: This sequence change falls in intron 9 of the POT1 gene. It does not directly change the encoded amino acid sequence of the POT1 protein. It affects a nucleotide within the consensus splice site. The frequency data for this variant in the population databases is considered unreliable, as metrics indicate poor data quality at this position in the gnomAD database. This variant has not been reported in the literature in individuals affected with POT1-related conditions. ClinVar contains an entry for this variant (Variation ID: 826780). Variants that disrupt the consensus splice site are a relatively common cause of aberrant splicing (PMID: 17576681, 9536098). Algorithms developed to predict the effect of sequence changes on RNA splicing suggest that this variant is not likely to affect RNA splicing. In summary, the available evidence is currently insufficient to determine the role of this variant in disease. Therefore, it has been classified as a Variant of Uncertain Significance.

Ambry Genetics
Classification: Likely benign for Hereditary cancer-predisposing syndrome. Last evaluated: 2020-01-07. Review status: criteria provided, single submitter. Criteria: Ambry Variant Classification Scheme 2023. Collection method: clinical testing. Allele origin: germline.

Literature cited by the submitters: PubMed 17576681 (cited by Labcorp Genetics (formerly Invitae), Labcorp); PubMed 9536098 (cited by Labcorp Genetics (formerly Invitae), Labcorp).

NM_015450.3(POT1):c.702+5T>C

Gene: POT1 (protection of telomeres 1; minus strand). Cytogenetic location: 7q31.33.
Variant type: single nucleotide variant.
Coding change: c.702+5T>C on transcript NM_015450.3 (MANE Select); 5 bases into the intron after coding-DNA position 702, T replaced by C.
Molecular consequence: intron variant.
Genome position (GRCh38, 1-based): chr7:124,858,952, A>G on the plus strand (T>C on the coding strand, the complement: POT1 is on the minus strand). VCF-style: chr7-124858952-A-G. GRCh37 (hg19) VCF-style: chr7-124499006-A-G.
Other names: c.309+5T>C (NM_001042594.2).
Identifiers: ClinVar variation 826780 (VCV000826780.14), dbSNP rs1370505940, ClinGen allele CA369055940.